The following is an entry in ClinVar:

ClinVar aggregate classification (germline): Likely benign. Review status: criteria provided, multiple submitters, no conflicts (2 of 4 stars). 2 submissions from 2 submitters: Likely benign (2). Last evaluated 2025-08-08.

Conditions:
Glucose-6-phosphate transport defect (GSD1B). Also called: Glycogen Storage Disease Type Ib; GSD Ib. Identifiers: Orphanet 364, Orphanet 79259, MedGen C0268146, MONDO:0009288, OMIM 232220.

Allele frequency attached by ClinVar (database versions not stated): gnomAD exomes below 0.00001; ExAC 0.00002.

Submissions (2):

Mayo Clinic Laboratories, Mayo Clinic
Classification: Likely benign. Last evaluated: 2025-08-08. Review status: criteria provided, single submitter. Criteria: ACMG Guidelines, 2015. Collection method: clinical testing. Allele origin: germline. Observed: 1 variant allele.
Comment: BP4, BP7, PM2_supporting

Labcorp Genetics (formerly Invitae), Labcorp
Classification: Likely benign for Glucose-6-phosphate transport defect. Last evaluated: 2020-12-25. Review status: criteria provided, single submitter. Criteria: Invitae Variant Classification Sherloc (09022015). Collection method: clinical testing. Allele origin: germline.

NM_001164277.2(SLC37A4):c.597G>A (p.Leu199=)

Gene: SLC37A4 (solute carrier family 37 member 4; minus strand). Cytogenetic location: 11q23.3.
Variant type: single nucleotide variant.
Coding change: c.597G>A on transcript NM_001164277.2 (MANE Select); coding-DNA position 597, G replaced by A.
Protein change: p.Leu199=; no amino-acid change (leucine 199 retained).
Molecular consequence: synonymous variant.
Genome position (GRCh38, 1-based): chr11:119,027,656, C>T on the plus strand (G>A on the coding strand, the complement: SLC37A4 is on the minus strand). VCF-style: chr11-119027656-C-T. GRCh37 (hg19) VCF-style: chr11-118898366-C-T.
Other names: p.Leu199=; c.597G>A (NM_001164277.1); c.597G>A, p.Leu199= (NM_001164278.2, NM_001164280.2, NM_001467.6); c.378G>A, p.Leu126= (NM_001164279.2).
Identifiers: ClinVar variation 1623588 (VCV001623588.9), dbSNP rs750870724, ClinGen allele CA6311803.
Genomic context (GRCh38, chr11:119,027,656, plus strand): 5'-TGCCCCAGTGGTCGGTCTGGGTGGGGGCTCACCCTTCTTGCCCTCAGAGGGCATGGGGTC[C>T]AGGTTGCGGAGTCCAACATCAGCAGGTTCATTGTGGATGAGCAGGAGACAGAGGAAGGAG-3'
Protein context (NP_001157749.1, residues 189-209): NEPADVGLRN[Leu199=]DPMPSEGKKG